The following is an entry in ClinVar:

NM_004304.5(ALK):c.2218G>C (p.Gly740Arg)

Gene: ALK (ALK receptor tyrosine kinase; minus strand). Cytogenetic location: 2p23.2.
Variant type: single nucleotide variant.
Coding change: c.2218G>C on transcript NM_004304.5 (MANE Select); coding-DNA position 2218, G replaced by C.
Protein change: p.Gly740Arg; replaces glycine 740 with arginine.
Molecular consequence: missense variant.
Genome position (GRCh38, 1-based): chr2:29,239,817, C>G on the plus strand (G>C on the coding strand, the complement: ALK is on the minus strand). VCF-style: chr2-29239817-C-G. GRCh37 (hg19) VCF-style: chr2-29462683-C-G.
Other names: short protein forms G740R.
Identifiers: ClinVar variation 1428352 (VCV001428352.6), dbSNP rs766541301, ClinGen allele CA346474768.
Genomic context (GRCh38, chr2:29,239,817, plus strand): 5'-GCACAGACACGCCGTGGGACCGCATCATGGTGTTCTTCCCGCCTTTCCCGCCAGCAGCTC[C>G]GTAGCCCGAGATGCTGCAATGGGACAAAGAACGTTGGCTCCCGCTGTGGTATGAAGACTG-3'
Protein context (NP_004295.2, residues 730-750): ATDTYSISGY[Gly740Arg]AAGGKGGKNT

ClinVar aggregate classification (germline): Uncertain significance (1 of 4 stars; one submission).

Conditions:
Neuroblastoma, susceptibility to, 3. Also called: ALK-Related Neuroblastic Tumor Susceptibility. Identifiers: Orphanet 635, MedGen C2751681, MONDO:0013083, OMIM 613014.

Submission:

Labcorp Genetics (formerly Invitae), Labcorp
Classification: Uncertain significance for Neuroblastoma, susceptibility to, 3. Last evaluated: 2021-12-02. Review status: criteria provided, single submitter. Criteria: Invitae Variant Classification Sherloc (09022015). Collection method: clinical testing. Allele origin: germline.
Comment: This variant has not been reported in the literature in individuals affected with ALK-related conditions. This variant is not present in population databases (gnomAD no frequency). This sequence change replaces glycine, which is neutral and non-polar, with arginine, which is basic and polar, at codon 740 of the ALK protein (p.Gly740Arg). Algorithms developed to predict the effect of missense changes on protein structure and function (SIFT, PolyPhen-2, Align-GVGD) all suggest that this variant is likely to be disruptive. In summary, the available evidence is currently insufficient to determine the role of this variant in disease. Therefore, it has been classified as a Variant of Uncertain Significance.